The following is an entry in ClinVar:

NM_001709.5(BDNF):c.-21-15487T>G

Genes: BDNF (brain derived neurotrophic factor; minus strand), BDNF-AS (BDNF antisense RNA; plus strand). Cytogenetic location: 11p14.1.
Variant type: single nucleotide variant.
Coding change: c.-21-15487T>G on transcript NM_001709.5 (MANE Select); 15487 bases into the intron before 21 bases upstream of the start codon, T replaced by G.
Molecular consequence: intron variant. On other transcripts: missense variant (1), 5 prime UTR variant (1).
Genome position (GRCh38, 1-based): chr11:27,674,072, A>C on the plus strand (T>G on the coding strand, the complement: BDNF is on the minus strand). VCF-style: chr11-27674072-A-C. GRCh37 (hg19) VCF-style: chr11-27695619-A-C.
Other names: c.213T>G, p.Asn71Lys (NM_001143810.2); c.-151T>G (NM_001143811.2); c.4-15487T>G (NM_170731.5); c.-21-15487T>G (NM_001143805.1, NM_001143806.1, NM_170732.4 and 5 more transcripts); c.67-15487T>G (NM_001143809.2); c.-128-15146T>G (NM_001143814.2); c.25-15487T>G (NM_170734.4); short protein forms N71K.
Identifiers: ClinVar variation 2635840 (VCV002635840.1), dbSNP rs770444228, ClinGen allele CA380072892.

ClinVar aggregate classification (germline): Uncertain significance (1 of 4 stars; one submission).

Conditions:
BDNF-related disorder. Also called: BDNF-related condition.

Submission:

PreventionGenetics, part of Exact Sciences
Classification: Uncertain significance for BDNF-related condition. Last evaluated: 2022-11-18. Review status: criteria provided, single submitter. Criteria: ACMG Guidelines, 2015. Collection method: clinical testing. Allele origin: germline.
Comment: The BDNF c.213T>G variant is predicted to result in the amino acid substitution p.Asn71Lys. To our knowledge, this variant has not been reported in the literature or in a large population database, indicating this variant is rare. At this time, the clinical significance of this variant is uncertain due to the absence of conclusive functional and genetic evidence.